The following is an entry in ClinVar:

ClinVar aggregate classification (germline): Uncertain significance (1 of 4 stars; one submission).

Submission:

Women's Health and Genetics/Laboratory Corporation of America, LabCorp
Classification: Uncertain significance. Last evaluated: 2022-12-20. Review status: criteria provided, single submitter. Criteria: LabCorp Variant Classification Summary - May 2015. Collection method: clinical testing. Allele origin: germline.
Comment: Variant summary: TGFBR2 c.[1152T>A;1163A>G] (p.[Asn384Lys;Lys388Arg]) variant is a complex allele and involves the alteration of multiple nucleotides. These nucleotide changes were absent in at least 250320 control chromosomes in the gnomAD database. The available data on variant occurrences in the general population are insufficient to allow any conclusion about variant significance. To our knowledge, no occurrence of c.[1152T>A;1163A>G] in individuals affected with Loeys-Dietz Syndrome and no experimental evidence demonstrating its impact on protein function have been reported. Nevertheless, a single nucleotide change (c.1152T>G) causing the same amino acid change as c.1152T>A (i.e. p.Asn384Lys) has been reported in three patients with Loeys-Dietz Syndrome (PMID: 25116393). Another missense change at this residue (p.N384S) has been detected in one patient with Marfan syndrome (PMID: 16799921), providing further supporting evidence for pathogenicity. c1163A>G/p.Lys388Arg has not, to our knowledge, been reported in affected individuals in the literature. No clinical diagnostic laboratories have submitted clinical-significance assessments for this complex variant to ClinVar after 2014. A ClinVar submitter (evaluation after 2014) cites each variant separately as uncertain significance (Variations IDs: 36861, 36863). Based on the evidence outlined above, this complex variant was classified as VUS-possibly pathogenic.

Literature cited by the submitters: PubMed 28182693.

NM_003242.6(TGFBR2):c.[1152T>A;1163A>G]

Variant type: Haplotype.
Identifiers: ClinVar variation 1878348 (VCV001878348.1).